The following is an entry in ClinVar:

NM_000090.4(COL3A1):c.2152_2153delinsTT (p.Ala718Phe)

Gene: COL3A1 (collagen type III alpha 1 chain; plus strand). Cytogenetic location: 2q32.2.
Variant type: Indel.
Coding change: c.2152_2153delinsTT on transcript NM_000090.4 (MANE Select); coding-DNA positions 2152 to 2153, GC replaced by TT.
Protein change: p.Ala718Phe; replaces alanine 718 with phenylalanine.
Molecular consequence: missense variant.
Genome position (GRCh38, 1-based): chr2:188,999,500-188,999,501, GC replaced by TT. VCF-style: chr2-188999500-GC-TT. GRCh37 (hg19) VCF-style: chr2-189864226-GC-TT.
Other names: short protein forms A718F.
Identifiers: ClinVar variation 1171276 (VCV001171276.7), dbSNP rs2153503026, ClinGen allele CA2499215537.

ClinVar aggregate classification (germline): Uncertain significance. Review status: criteria provided, multiple submitters, no conflicts (2 of 4 stars). 2 submissions from 2 submitters: Uncertain significance (2). Last evaluated 2023-12-05.

Conditions:
Familial thoracic aortic aneurysm and aortic dissection (TAAD). Also called: Thoracic aortic aneurysms and dissections. Identifiers: Orphanet 91387, MedGen C4707243, MONDO:0019625.
Ehlers-Danlos syndrome, type 4 (EDSVASC). Also called: Ehlers-Danlos syndrome vascular type; Ehlers Danlos syndrome, ecchymotic type; Ehlers Danlos syndrome, arterial type; Ehlers Danlos syndrome, Sack-Barabas type; Ehlers-Danlos Syndrome Type IV. Identifiers: Orphanet 286, MedGen C0268338, MONDO:0017314, OMIM 130050.

Submissions (2):

Color Diagnostics, LLC DBA Color Health
Classification: Uncertain significance for Familial thoracic aortic aneurysm and aortic dissection. Last evaluated: 2023-12-05. Review status: criteria provided, single submitter. Criteria: ACMG Guidelines, 2015. Collection method: clinical testing. Allele origin: germline.
Comment: This missense variant replaces alanine with phenylalanine at codon 718 of the COL3A1 protein. To our knowledge, functional studies have not been reported for this variant. This variant has not been reported in individuals affected with COL3A1-related disorders in the literature. This variant has not been identified in the general population by the Genome Aggregation Database (gnomAD). The available evidence is insufficient to determine the role of this variant in disease conclusively. Therefore, this variant is classified as a Variant of Uncertain Significance.

Labcorp Genetics (formerly Invitae), Labcorp
Classification: Uncertain significance for Ehlers-Danlos syndrome, type 4. Last evaluated: 2023-06-17. Review status: criteria provided, single submitter. Criteria: Invitae Variant Classification Sherloc (09022015). Collection method: clinical testing. Allele origin: germline.
Comment: In summary, the available evidence is currently insufficient to determine the role of this variant in disease. Therefore, it has been classified as a Variant of Uncertain Significance. Experimental studies and prediction algorithms are not available or were not evaluated, and the functional significance of this variant is currently unknown. This variant has not been reported in the literature in individuals affected with COL3A1-related conditions. ClinVar contains an entry for this variant (Variation ID: 1171276). This variant is present in population databases (no rsID available, gnomAD 0.0008%). This sequence change replaces alanine, which is neutral and non-polar, with phenylalanine, which is neutral and non-polar, at codon 718 of the COL3A1 protein (p.Ala718Phe).